The following is an entry in ClinVar:

ClinVar aggregate classification (germline): Uncertain significance. Review status: criteria provided, multiple submitters, no conflicts (2 of 4 stars). 2 submissions from 2 submitters: Uncertain significance (2). Last evaluated 2025-04-15.

Conditions:
Nemaline myopathy 2 (NEM2). Also called: Nemaline myopathy 2, autosomal recessive. Identifiers: MedGen C1850569, MONDO:0009725, OMIM 256030.

Allele frequency attached by ClinVar (database versions not stated): TOPMed 0.00004; gnomAD 0.00005 and 0.00007.
gnomAD v4.1: 105 of 1,613,222 alleles (0.0065%); highest among the groups gnomAD compares: South Asian, 0.043%; no homozygotes.

Submissions (2):

Revvity Omics, Revvity
Classification: Uncertain significance. Last evaluated: 2025-04-15. Review status: criteria provided, single submitter. Criteria: ACMG Guidelines, 2015. Collection method: clinical testing. Allele origin: germline.

Labcorp Genetics (formerly Invitae), Labcorp
Classification: Uncertain significance for Nemaline myopathy 2. Last evaluated: 2022-07-19. Review status: criteria provided, single submitter. Criteria: Invitae Variant Classification Sherloc (09022015). Collection method: clinical testing. Allele origin: germline.
Comment: This sequence change replaces arginine, which is basic and polar, with tryptophan, which is neutral and slightly polar, at codon 3130 of the NEB protein (p.Arg3130Trp). This variant is present in population databases (rs779778326, gnomAD 0.06%). This variant has not been reported in the literature in individuals affected with NEB-related conditions. ClinVar contains an entry for this variant (Variation ID: 1508158). Algorithms developed to predict the effect of missense changes on protein structure and function are either unavailable or do not agree on the potential impact of this missense change (SIFT: "Deleterious"; PolyPhen-2: "Not Available"; Align-GVGD: "Class C0"). In summary, the available evidence is currently insufficient to determine the role of this variant in disease. Therefore, it has been classified as a Variant of Uncertain Significance.

NM_001164508.2(NEB):c.9388C>T (p.Arg3130Trp)

Gene: NEB (nebulin; minus strand). Cytogenetic location: 2q23.3.
Variant type: single nucleotide variant.
Coding change: c.9388C>T on transcript NM_001164508.2 (MANE Select); coding-DNA position 9388, C replaced by T.
Protein change: p.Arg3130Trp; replaces arginine 3130 with tryptophan.
Molecular consequence: missense variant. On other transcripts: intron variant (1).
Genome position (GRCh38, 1-based): chr2:151,633,680, G>A on the plus strand (C>T on the coding strand, the complement: NEB is on the minus strand). VCF-style: chr2-151633680-G-A. GRCh37 (hg19) VCF-style: chr2-152490194-G-A.
Other names: c.9388C>T, p.Arg3130Trp (NM_001164507.2, NM_001271208.2); c.8854-2502C>T (NM_004543.5); short protein forms R3130W.
Identifiers: ClinVar variation 1508158 (VCV001508158.5), dbSNP rs779778326, ClinGen allele CA1909337.
Genomic context (GRCh38, chr2:151,633,680, plus strand): 5'-TATGCACAGCTCCATTTATAGATGCTGTACTCACGTCACTCTGGAGGTCATAGGCCTGCC[G>A]AGCATGGATGACATCGCTCTGGTCAGGCAGGCATGTCCACTCGTGCAGGTAGTTCTTATA-3'
Protein context (NP_001157980.2, residues 3120-3140): LPDQSDVIHA[Arg3130Trp]QAYDLQSDNI